The following is an entry in ClinVar:

ClinVar aggregate classification (germline): Likely benign (1 of 4 stars; one submission).

Allele frequency attached by ClinVar (database versions not stated): ExAC 0.00003.

Submission:

CeGaT Center for Human Genetics Tuebingen
Classification: Likely benign. Last evaluated: 2023-11-01. Review status: criteria provided, single submitter. Criteria: CeGaT Center For Human Genetics Tuebingen Variant Classification Criteria Version 2. Collection method: clinical testing. Allele origin: germline. Affected: yes. Observed: 1 variant allele.
Comment: HYDIN: BP4

NM_001270974.2(HYDIN):c.5994C>T (p.Ser1998=)

Gene: HYDIN (HYDIN axonemal central pair apparatus protein; minus strand). Cytogenetic location: 16q22.2.
Variant type: single nucleotide variant.
Coding change: c.5994C>T on transcript NM_001270974.2 (MANE Select); coding-DNA position 5994, C replaced by T.
Protein change: p.Ser1998=; no amino-acid change (serine 1998 retained).
Molecular consequence: synonymous variant.
Genome position (GRCh38, 1-based): chr16:70,959,795, G>A on the plus strand (C>T on the coding strand, the complement: HYDIN is on the minus strand). VCF-style: chr16-70959795-G-A. GRCh37 (hg19) VCF-style: chr16-70993698-G-A.
Identifiers: ClinVar variation 2672648 (VCV002672648.23), dbSNP rs755436534, ClinGen allele CA8150405.